The following is an entry in ClinVar:

NM_019023.5(PRMT7):c.1017C>T (p.His339=)

Gene: PRMT7 (protein arginine methyltransferase 7; plus strand). Cytogenetic location: 16q22.1.
Variant type: single nucleotide variant.
Coding change: c.1017C>T on transcript NM_019023.5 (MANE Select); coding-DNA position 1017, C replaced by T.
Protein change: p.His339=; no amino-acid change (histidine 339 retained).
Molecular consequence: synonymous variant. On other transcripts: non-coding transcript variant (12).
Genome position (GRCh38, 1-based): chr16:68,345,764, C>T. VCF-style: chr16-68345764-C-T. GRCh37 (hg19) VCF-style: chr16-68379667-C-T.
Other names: c.867C>T, p.His289= (NM_001184824.4); c.1017C>T, p.His339= (NM_001290018.2, NM_001351143.3, NM_001351144.3 and 1 more transcripts); c.810C>T, p.His270= (NM_001378020.1); c.780C>T, p.His260= (NM_001378021.1, NM_001378022.1, NM_001378023.1).
Identifiers: ClinVar variation 3256988 (VCV003256988.18).

ClinVar aggregate classification (germline): Likely benign. Review status: criteria provided, multiple submitters, no conflicts (2 of 4 stars). 2 submissions from 2 submitters: Likely benign (2). Last evaluated 2024-07-01.

gnomAD v4.1: 52 of 1,614,144 alleles (0.0032%); highest among the groups gnomAD compares: Admixed American, 0.027%; no homozygotes.

Submissions (2):

CeGaT Center for Human Genetics Tuebingen
Classification: Likely benign. Last evaluated: 2024-07-01. Review status: criteria provided, single submitter. Criteria: CeGaT Center For Human Genetics Tuebingen Variant Classification Criteria Version 2. Collection method: clinical testing. Allele origin: germline. Affected: yes. Observed: 1 variant allele.
Comment: PRMT7: BP4, BP7

Blueprint Genetics
Classification: Likely benign. Last evaluated: 2023-07-18. Review status: criteria provided, single submitter. Criteria: ACMG Guidelines, 2015. Collection method: clinical testing. Allele origin: germline.